The following is an entry in ClinVar:

ClinVar aggregate classification (germline): Uncertain significance. Review status: criteria provided, multiple submitters, no conflicts (2 of 4 stars). 2 submissions from 2 submitters: Uncertain significance (2). Last evaluated 2026-01-01.

Submissions (2):

CeGaT Center for Human Genetics Tuebingen
Classification: Uncertain significance. Last evaluated: 2026-01-01. Review status: criteria provided, single submitter. Criteria: CeGaT Center For Human Genetics Tuebingen Variant Classification Criteria Version 2. Collection method: clinical testing. Allele origin: germline. Affected: yes. Observed: 1 variant allele.
Comment: SLC20A2: PM2, PP3

Labcorp Genetics (formerly Invitae), Labcorp
Classification: Uncertain significance. Last evaluated: 2024-07-29. Review status: criteria provided, single submitter. Criteria: Invitae Variant Classification Sherloc (09022015). Collection method: clinical testing. Allele origin: germline.
Comment: This sequence change replaces glycine, which is neutral and non-polar, with valine, which is neutral and non-polar, at codon 13 of the SLC20A2 protein (p.Gly13Val). This variant is not present in population databases (gnomAD no frequency). This variant has not been reported in the literature in individuals affected with SLC20A2-related conditions. Advanced modeling of protein sequence and biophysical properties (such as structural, functional, and spatial information, amino acid conservation, physicochemical variation, residue mobility, and thermodynamic stability) has been performed at Invitae for this missense variant, however the output from this modeling did not meet the statistical confidence thresholds required to predict the impact of this variant on SLC20A2 protein function. In summary, the available evidence is currently insufficient to determine the role of this variant in disease. Therefore, it has been classified as a Variant of Uncertain Significance.

NM_001257180.2(SLC20A2):c.38G>T (p.Gly13Val)

Gene: SLC20A2 (solute carrier family 20 member 2; minus strand). Cytogenetic location: 8p11.21.
Variant type: single nucleotide variant.
Coding change: c.38G>T on transcript NM_001257180.2 (MANE Select); coding-DNA position 38, G replaced by T.
Protein change: p.Gly13Val; replaces glycine 13 with valine.
Molecular consequence: missense variant.
Genome position (GRCh38, 1-based): chr8:42,472,353, C>A on the plus strand (G>T on the coding strand, the complement: SLC20A2 is on the minus strand). VCF-style: chr8-42472353-C-A. GRCh37 (hg19) VCF-style: chr8-42329871-C-A.
Other names: c.38G>T, p.Gly13Val (NM_001257181.2, NM_006749.5); short protein forms G13V.
Identifiers: ClinVar variation 3660489 (VCV003660489.6).